The following is an entry in ClinVar:

ClinVar aggregate classification (germline): Uncertain significance (1 of 4 stars; one submission).

Conditions:
Early-infantile DEE. Also called: Ohtahara syndrome; Early infantile epileptic encephalopathy with suppression bursts; Early infantile epileptic encephalopathy. Identifiers: Orphanet 1934, MedGen C0393706, MONDO:0800491.

Submission:

Labcorp Genetics (formerly Invitae), Labcorp
Classification: Uncertain significance for Early-infantile DEE. Last evaluated: 2022-09-22. Review status: criteria provided, single submitter. Criteria: Invitae Variant Classification Sherloc (09022015). Collection method: clinical testing. Allele origin: germline.
Comment: This variant is not present in population databases (gnomAD no frequency). This variant, c.2950_2970del, results in the deletion of 7 amino acid(s) of the SCN8A protein (p.Asn984_Asp990del), but otherwise preserves the integrity of the reading frame. This variant has not been reported in the literature in individuals affected with SCN8A-related conditions. In summary, the available evidence is currently insufficient to determine the role of this variant in disease. Therefore, it has been classified as a Variant of Uncertain Significance. Experimental studies and prediction algorithms are not available or were not evaluated, and the functional significance of this variant is currently unknown.

NM_001330260.2(SCN8A):c.2950_2970del (p.Asn984_Asp990del)

Gene: SCN8A (sodium voltage-gated channel alpha subunit 8; plus strand). Cytogenetic location: 12q13.13.
Variant type: Deletion.
Coding change: c.2950_2970del on transcript NM_001330260.2 (MANE Select); coding-DNA positions 2950 to 2970, 21 bases deleted (AACCTGGCTGCCACAGATGAC).
Protein change: p.Asn984_Asp990del.
Molecular consequence: inframe deletion.
Genome position (GRCh38, 1-based): chr12:51,768,913-51,768,933, AACCTGGCTGCCACAGATGAC deleted; deleting any 21 consecutive bases within chr12:51,768,910-51,768,933 gives the same sequence; the c. name uses the placement nearest the transcript's 3' end. VCF-style (leftmost placement, unchanged base first): chr12-51768909-AGACAACCTGGCTGCCACAGAT-A. GRCh37 (hg19) VCF-style: chr12-52162693-AGACAACCTGGCTGCCACAGAT-A.
Other names: c.2950_2970del, p.Asn984_Asp990del (NM_001177984.3, NM_001369788.1, NM_014191.4).
Identifiers: ClinVar variation 2031790 (VCV002031790.4), dbSNP rs2540265595, ClinGen allele CA2580086436.
Genomic context (GRCh38, chr12:51,768,909, plus strand): 5'-AATGCTACTGGCATAGGTGCTGAACCTGTTTCTGGCCTTGCTCCTGAGCTCCTTCAGTGC[AGACAACCTGGCTGCCACAGAT>A]GACGATGGGGAAATGAACAACCTCCAGATCTCAGTGATCCGTATCAAGAAGGGTGTGGCC-3'